The following is an entry in ClinVar:

ClinVar aggregate classification (germline): Likely pathogenic (1 of 4 stars; one submission).

Conditions:
Developmental and epileptic encephalopathy, 11 (DEE11). Also called: Early infantile epileptic encephalopathy 11. Identifiers: Orphanet 1934, MedGen C3150987, MONDO:0013388, OMIM 613721.

Submission:

MVZ Medizinische Genetik Mainz
Classification: Likely pathogenic for Developmental and epileptic encephalopathy, 11. Last evaluated: 2022-07-05. Review status: criteria provided, single submitter. Criteria: UK Practice Guidelines For Variant Classification V4 01 2020. Collection method: clinical testing. Allele origin: germline. Inheritance: Autosomal dominant inheritance. Affected: yes. Observed: 1 variant allele.
Comment: ACMG Criteria: PM4, PM2_SUP, PP3 (ACMG Version 3); PM6

NM_001040142.2(SCN2A):c.4295_4297del (p.Val1432del)

Gene: SCN2A (sodium voltage-gated channel alpha subunit 2; plus strand). Cytogenetic location: 2q24.3.
Variant type: Deletion.
Coding change: c.4295_4297del on transcript NM_001040142.2 (MANE Select); coding-DNA positions 4295 to 4297, 3 bases deleted (TTG; older notation c.4295_4297delTTG).
Protein change: p.Val1432del; deletes valine 1432.
Genome position (GRCh38, 1-based): chr2:165,377,637-165,377,639, TTG deleted; deleting any 3 consecutive bases within chr2:165,377,635-165,377,639 gives the same sequence; the c. name uses the placement nearest the transcript's 3' end. VCF-style (leftmost placement, unchanged base first): chr2-165377634-CTGT-C. GRCh37 (hg19) VCF-style: chr2-166234144-CTGT-C.
Other names: c.4295_4297del, p.Val1432del (NM_001040143.2, NM_001371246.1, NM_001371247.1 and 1 more transcripts); short protein forms V1432del.
Identifiers: ClinVar variation 3066121 (VCV003066121.1), dbSNP rs2468114101, ClinGen allele CA2740097952.